The following is an entry in ClinVar:

ClinVar aggregate classification (germline): Uncertain significance (1 of 4 stars; one submission).

Allele frequency attached by ClinVar (database versions not stated): gnomAD exomes below 0.00001; ExAC 0.00001; TOPMed 0.00002; gnomAD 0.00003.
gnomAD v4.1: 5 of 1,610,332 alleles (0.00031%); highest among the groups gnomAD compares: East Asian, 0.0045%; no homozygotes.

Submission:

Labcorp Genetics (formerly Invitae), Labcorp
Classification: Uncertain significance. Last evaluated: 2025-08-27. Review status: criteria provided, single submitter. Criteria: Invitae Variant Classification Sherloc (09022015). Collection method: clinical testing. Allele origin: germline.
Comment: This sequence change replaces proline, which is neutral and non-polar, with serine, which is neutral and polar, at codon 187 of the COQ8B protein (p.Pro187Ser). The frequency data for this variant in the population databases is considered unreliable, as metrics indicate poor data quality at this position in the gnomAD database. This variant has not been reported in the literature in individuals affected with COQ8B-related conditions. ClinVar contains an entry for this variant (Variation ID: 2417961). Invitae Evidence Modeling of protein sequence and biophysical properties (such as structural, functional, and spatial information, amino acid conservation, physicochemical variation, residue mobility, and thermodynamic stability) indicates that this missense variant is not expected to disrupt COQ8B protein function with a negative predictive value of 80%. In summary, the available evidence is currently insufficient to determine the role of this variant in disease. Therefore, it has been classified as a Variant of Uncertain Significance.

NM_024876.4(COQ8B):c.559C>T (p.Pro187Ser)

Gene: COQ8B (coenzyme Q8B; minus strand). Cytogenetic location: 19q13.2.
Variant type: single nucleotide variant.
Coding change: c.559C>T on transcript NM_024876.4 (MANE Select); coding-DNA position 559, C replaced by T.
Protein change: p.Pro187Ser; replaces proline 187 with serine.
Molecular consequence: missense variant.
Genome position (GRCh38, 1-based): chr19:40,705,113, G>A on the plus strand (C>T on the coding strand, the complement: COQ8B is on the minus strand). VCF-style: chr19-40705113-G-A. GRCh37 (hg19) VCF-style: chr19-41211018-G-A.
Other names: c.436C>T, p.Pro146Ser (NM_001142555.3); short protein forms P146S, P187S.
Identifiers: ClinVar variation 2417961 (VCV002417961.6), dbSNP rs766495150, ClinGen allele CA9450371.